The following is an entry in ClinVar:

NM_002971.6(SATB1):c.716G>A (p.Trp239Ter)

Gene: SATB1 (SATB homeobox 1; minus strand). Cytogenetic location: 3p24.3.
Variant type: single nucleotide variant.
Coding change: c.716G>A on transcript NM_002971.6 (MANE Select); coding-DNA position 716, G replaced by A.
Protein change: p.Trp239Ter; replaces tryptophan 239 with a stop codon.
Molecular consequence: nonsense.
Genome position (GRCh38, 1-based): chr3:18,397,214, C>T on the plus strand (G>A on the coding strand, the complement: SATB1 is on the minus strand). VCF-style: chr3-18397214-C-T. GRCh37 (hg19) VCF-style: chr3-18438706-C-T.
Other names: c.716G>A, p.Trp239Ter (NM_001131010.4, NM_001195470.3, NM_001322871.2 and 4 more transcripts); c.500G>A, p.Trp167Ter (NM_001322876.2); short protein forms W167*, W239*.
Identifiers: ClinVar variation 3902951 (VCV003902951.1).

ClinVar aggregate classification (germline): Uncertain significance (1 of 4 stars; one submission).

Submission:

GeneDx
Classification: Uncertain significance. Last evaluated: 2024-12-12. Review status: criteria provided, single submitter. Criteria: GeneDx Variant Classification Process June 2021. Collection method: clinical testing. Allele origin: germline. Affected: yes.
Comment: Not observed at significant frequency in large population cohorts (gnomAD); Nonsense variant predicted to result in protein truncation or nonsense mediated decay in a gene or region of a gene for which loss of function is not a well-established mechanism of disease; Has not been previously published as pathogenic or benign to our knowledge